The following is an entry in ClinVar:

NM_000419.5(ITGA2B):c.962G>T (p.Gly321Val)

Gene: ITGA2B (integrin subunit alpha 2b; minus strand). Cytogenetic location: 17q21.31.
Variant type: single nucleotide variant.
Coding change: c.962G>T on transcript NM_000419.5 (MANE Select); coding-DNA position 962, G replaced by T.
Protein change: p.Gly321Val; replaces glycine 321 with valine.
Molecular consequence: missense variant.
Genome position (GRCh38, 1-based): chr17:44,383,930, C>A on the plus strand (G>T on the coding strand, the complement: ITGA2B is on the minus strand). VCF-style: chr17-44383930-C-A. GRCh37 (hg19) VCF-style: chr17-42461298-C-A.
Other names: short protein forms G321V.
Identifiers: ClinVar variation 996169 (VCV000996169.3), dbSNP rs2048619898, ClinGen allele CA399804765.

ClinVar aggregate classification (germline): Likely pathogenic (3 of 4 stars; one submission).

Conditions:
Glanzmann thrombasthenia. Also called: Glanzmann's thrombasthenia; PLATELET GLYCOPROTEIN IIb-IIIa DEFICIENCY; BLEEDING DISORDER, PLATELET-TYPE, 2; THROMBASTHENIA OF GLANZMANN AND NAEGELI; Thrombasthenia. Identifiers: Orphanet 849, MedGen C0040015, MONDO:0100326.

Submission:

ClinGen Platelet Disorders Variant Curation Expert Panel, ClinGen
Classification: Likely pathogenic for Glanzmann thrombasthenia. Last evaluated: 2024-03-07. Review status: reviewed by expert panel. Criteria: ClinGen Platelet ACMG Specifications v2-1. Collection method: curation. Allele origin: germline. Inheritance: Autosomal recessive inheritance.
Comment: The NM_000419.5(ITGA2B):c.962G>T (p.Gly321Val) missense variant has been reported in at least two compound heterozygous probands (PMID: 29675921 and GT database patient 437). GT40 of PMID: 29675921 meets the criteria for PP4_Strong; including mucocutaneous bleeding, impaired aggregation with all agonists except ristocetin, and reduced surface expression of αIIbβ3 measured by flow cytometry. ITGA2B and ITGB3 were sequenced across all exons and intron/exon boundaries. The variant is absent from all population database cohorts, including gnomADv2.1.1 (PM2_supporting) and is predicted deleterious (REVEL score 0.907; PP3). The Gly321Val variant occurs at the same residue as Gly321Trp (classified Likely Pathogenic by the PD-EP; PM5_supporting). In summary this variant meets criteria to be classified as likely pathogenic for GT. GT-specific criteria applied: PM2_supporting, PM5_supporting, PP3, and PP4_strong.